The following is an entry in ClinVar:

ClinVar aggregate classification (germline): Conflicting classifications of pathogenicity. Review status: criteria provided, conflicting classifications (1 of 4 stars). 2 submissions from 2 submitters: Uncertain significance (1); Likely benign (1). Last evaluated 2026-01-21.

Allele frequency attached by ClinVar (database versions not stated): gnomAD exomes 0.00006; ExAC 0.00014; gnomAD 0.00019; ESP Exome Variant Server 0.00023; TOPMed 0.00023; 1000 Genomes Project 0.00080; 1000 Genomes Project 30x 0.00094.

Submissions (2):

Labcorp Genetics (formerly Invitae), Labcorp
Classification: Uncertain significance. Last evaluated: 2026-01-21. Review status: criteria provided, single submitter. Criteria: Invitae Variant Classification Sherloc (09022015). Collection method: clinical testing. Allele origin: germline.
Comment: This sequence change replaces arginine, which is basic and polar, with cysteine, which is neutral and slightly polar, at codon 211 of the TGM6 protein (p.Arg211Cys). This variant is present in population databases (rs76286489, gnomAD 0.07%), and has an allele count higher than expected for a pathogenic variant. This variant has not been reported in the literature in individuals affected with TGM6-related conditions. ClinVar contains an entry for this variant (Variation ID: 2180646). Invitae Evidence Modeling of protein sequence and biophysical properties (such as structural, functional, and spatial information, amino acid conservation, physicochemical variation, residue mobility, and thermodynamic stability) indicates that this missense variant is not expected to disrupt TGM6 protein function with a negative predictive value of 80%. In summary, the available evidence is currently insufficient to determine the role of this variant in disease. Therefore, it has been classified as a Variant of Uncertain Significance.

Mayo Clinic Laboratories, Mayo Clinic
Classification: Likely benign. Last evaluated: 2025-08-08. Review status: criteria provided, single submitter. Criteria: ACMG Guidelines, 2015. Collection method: clinical testing. Allele origin: germline. Observed: 1 variant allele.
Comment: BS1, BS2, PP3

Literature cited by the submitters: PubMed 30670339 (cited by Mayo Clinic Laboratories, Mayo Clinic).

NM_198994.3(TGM6):c.631C>T (p.Arg211Cys)

Gene: TGM6 (transglutaminase 6; plus strand). Cytogenetic location: 20p13.
Variant type: single nucleotide variant.
Coding change: c.631C>T on transcript NM_198994.3 (MANE Select); coding-DNA position 631, C replaced by T.
Protein change: p.Arg211Cys; replaces arginine 211 with cysteine.
Molecular consequence: missense variant.
Genome position (GRCh38, 1-based): chr20:2,398,005, C>T. VCF-style: chr20-2398005-C-T. GRCh37 (hg19) VCF-style: chr20-2378651-C-T.
Other names: p.Arg211Cys; c.631C>T, p.Arg211Cys (NM_001254734.2); short protein forms R211C.
Identifiers: ClinVar variation 2180646 (VCV002180646.5), dbSNP rs76286489, ClinGen allele CA9731741.
Genomic context (GRCh38, chr20:2,398,005, plus strand): 5'-CTCTCCATCCTGGATCGAAGCCCCGGTCACCAAAACAACCCAGCCACCGACGTGTCCTGC[C>T]GCCACAACCCCATCTACGTCACCAGGGTCATCAGTGCCATGGTGAGAAGCCCCTCCATCC-3'
Protein context (NP_945345.2, residues 201-221): QNNPATDVSC[Arg211Cys]HNPIYVTRVI